The following is an entry in ClinVar:

NC_000016.9:g.(?_19078987)_(19079079_?)dup

Gene: COQ7 (coenzyme Q7, hydroxylase; plus strand). Cytogenetic location: 16p12.3.
Variant type: Duplication.
Identifiers: ClinVar variation 1449682 (VCV001449682.5).

ClinVar aggregate classification (germline): Uncertain significance (1 of 4 stars; one submission).

Submission:

Labcorp Genetics (formerly Invitae), Labcorp
Classification: Uncertain significance. Last evaluated: 2023-12-25. Review status: criteria provided, single submitter. Criteria: Invitae Variant Classification Sherloc (09022015). Collection method: clinical testing. Allele origin: germline.
Comment: This variant results in a copy number gain of the genomic region encompassing exon(s) 1 of the COQ7 gene. This region includes the initiator codon of the gene. This copy number gain extends beyond the assayed region for this gene and therefore may encompass additional genes. As the precise location of this event is unknown, it may be in tandem or it may be located elsewhere in the genome. This variant has not been reported in the literature in individuals affected with COQ7-related conditions. Experimental studies and prediction algorithms are not available or were not evaluated, and the functional significance of this variant is currently unknown. In summary, the available evidence is currently insufficient to determine the role of this variant in disease. Therefore, it has been classified as a Variant of Uncertain Significance.